The following is an entry in ClinVar:

ClinVar aggregate classification (germline): Uncertain significance (1 of 4 stars; one submission).

Allele frequency attached by ClinVar (database versions not stated): TOPMed below 0.00001; ExAC 0.00001; gnomAD 0.00001; gnomAD exomes 0.00001.
gnomAD v4.1: 5 of 1,614,064 alleles (0.00031%); highest among the groups gnomAD compares: Non-Finnish European, 0.00042%; no homozygotes.

Submission:

Labcorp Genetics (formerly Invitae), Labcorp
Classification: Uncertain significance. Last evaluated: 2024-03-30. Review status: criteria provided, single submitter. Criteria: Invitae Variant Classification Sherloc (09022015). Collection method: clinical testing. Allele origin: germline.
Comment: This sequence change replaces valine, which is neutral and non-polar, with phenylalanine, which is neutral and non-polar, at codon 1172 of the LAMB1 protein (p.Val1172Phe). This variant is present in population databases (rs756852210, gnomAD 0.0009%). This variant has not been reported in the literature in individuals affected with LAMB1-related conditions. ClinVar contains an entry for this variant (Variation ID: 1939019). An algorithm developed to predict the effect of missense changes on protein structure and function (PolyPhen-2) suggests that this variant is likely to be tolerated. In summary, the available evidence is currently insufficient to determine the role of this variant in disease. Therefore, it has been classified as a Variant of Uncertain Significance.

NM_002291.3(LAMB1):c.3514G>T (p.Val1172Phe)

Gene: LAMB1 (laminin subunit beta 1; minus strand). Cytogenetic location: 7q31.1.
Variant type: single nucleotide variant.
Coding change: c.3514G>T on transcript NM_002291.3 (MANE Select); coding-DNA position 3514, G replaced by T.
Protein change: p.Val1172Phe; replaces valine 1172 with phenylalanine.
Molecular consequence: missense variant.
Genome position (GRCh38, 1-based): chr7:107,940,236, C>A on the plus strand (G>T on the coding strand, the complement: LAMB1 is on the minus strand). VCF-style: chr7-107940236-C-A. GRCh37 (hg19) VCF-style: chr7-107580681-C-A.
Other names: short protein forms V1172F.
Identifiers: ClinVar variation 1939019 (VCV001939019.5), dbSNP rs756852210, ClinGen allele CA4435286.